The following is an entry in ClinVar:

NM_001605.3(AARS1):c.525C>T (p.Phe175=)

Gene: AARS1 (alanyl-tRNA synthetase 1; minus strand). Cytogenetic location: 16q22.1.
Variant type: single nucleotide variant.
Coding change: c.525C>T on transcript NM_001605.3 (MANE Select); coding-DNA position 525, C replaced by T.
Protein change: p.Phe175=; no amino-acid change (phenylalanine 175 retained).
Molecular consequence: synonymous variant.
Genome position (GRCh38, 1-based): chr16:70,271,927, G>A on the plus strand (C>T on the coding strand, the complement: AARS1 is on the minus strand). VCF-style: chr16-70271927-G-A. GRCh37 (hg19) VCF-style: chr16-70305830-G-A.
Identifiers: ClinVar variation 1081170 (VCV001081170.11), dbSNP rs369147317, ClinGen allele CA283444430.

ClinVar aggregate classification (germline): Likely benign. Review status: criteria provided, multiple submitters, no conflicts (2 of 4 stars). 2 submissions from 2 submitters: Likely benign (2). Last evaluated 2025-12-17.

Conditions:
Charcot-Marie-Tooth disease type 2. Also called: Charcot-Marie-Tooth type 2. Identifiers: Orphanet 64746, MedGen C0270914, MONDO:0018993.

Allele frequency attached by ClinVar (database versions not stated): ESP Exome Variant Server 0.00008; gnomAD 0.00009.
gnomAD v4.1: 17 of 1,614,000 alleles (0.0011%); highest among the groups gnomAD compares: African/African-American, 0.012%; no homozygotes.

Submissions (2):

Labcorp Genetics (formerly Invitae), Labcorp
Classification: Likely benign for Charcot-Marie-Tooth disease type 2. Last evaluated: 2025-12-17. Review status: criteria provided, single submitter. Criteria: Invitae Variant Classification Sherloc (09022015). Collection method: clinical testing. Allele origin: germline.

Women's Health and Genetics/Laboratory Corporation of America, LabCorp
Classification: Likely benign. Last evaluated: 2025-09-23. Review status: criteria provided, single submitter. Criteria: LabCorp Variant Classification Summary - May 2015. Collection method: clinical testing. Allele origin: germline.
Comment: Variant summary: AARS1 c.525C>T alters a conserved nucleotide resulting in a synonymous change. Consensus agreement among computation tools predict no significant impact on normal splicing. However, these predictions have yet to be confirmed by functional studies. The variant was absent in 282822 control chromosomes. The available data on variant occurrences in the general population are insufficient to allow any conclusion about variant significance. To our knowledge, no occurrence of c.525C>T in individuals affected with AARS1-related conditions and no experimental evidence demonstrating its impact on protein function have been reported. ClinVar contains an entry for this variant (Variation ID: 1081170). Based on the evidence outlined above, the variant was classified as likely benign.